The following is an entry in ClinVar:

NM_032383.5(HPS3):c.2525_2526del (p.His842fs)

Genes: CP (ceruloplasmin; minus strand), HPS3 (HPS3 biogenesis of lysosomal organelles complex 2 subunit 1; plus strand). Cytogenetic location: 3q24.
Variant type: Deletion.
Coding change: c.2525_2526del on transcript NM_032383.5 (MANE Select); coding-DNA positions 2525 to 2526, 2 bases deleted (AC; older notation c.2525_2526delAC).
Protein change: p.His842fs; shifts the reading frame from histidine 842.
Molecular consequence: frameshift variant.
Genome position (GRCh38, 1-based): chr3:149,163,885-149,163,886, AC deleted; deleting any 2 consecutive bases within chr3:149,163,884-149,163,886 gives the same sequence; the c. name uses the placement nearest the transcript's 3' end. VCF-style (leftmost placement, unchanged base first): chr3-149163883-TCA-T. GRCh37 (hg19) VCF-style: chr3-148881670-TCA-T.
Other names: c.2030_2031del, p.His677fs (NM_001308258.2); short protein forms H677fs, H842fs.
Identifiers: ClinVar variation 1724907 (VCV001724907.2), dbSNP rs2473128577, ClinGen allele CA2580068961.

ClinVar aggregate classification (germline): Likely pathogenic (1 of 4 stars; one submission).

Conditions:
Hermansky-Pudlak syndrome 3 (HPS3). Identifiers: Orphanet 231512, Orphanet 79430, MedGen C3888001, MONDO:0013555, OMIM 614072.

Submission:

Myriad Genetics, Inc.
Classification: Likely pathogenic for Hermansky-Pudlak syndrome 3. Last evaluated: 2022-03-02. Review status: criteria provided, single submitter. Criteria: Myriad Women's Health Autosomal Recessive and X-Linked Classification Criteria (2021). Collection method: clinical testing. Allele origin: unknown.
Comment: NM_032383.3(HPS3):c.2525_2526delAC(H842Rfs*6) is expected to be pathogenic in the context of Hermansky-Pudlak syndrome type 3. This variant is predicted to lead to an abnormal or absent protein product due to the creation of a premature termination codon in HPS3, a gene where loss-of-function variants are known to be pathogenic. Please note: this variant was assessed in the context of healthy population screening.